The following is an entry in ClinVar:

ClinVar aggregate classification (germline): Uncertain significance (1 of 4 stars; one submission).

Conditions:
Hereditary cancer-predisposing syndrome. Also called: Tumor predisposition; Neoplastic Syndromes, Hereditary; Hereditary Cancer Syndrome; Hereditary neoplastic syndrome. Identifiers: Orphanet 140162, MedGen C0027672, MeSH D009386, MONDO:0015356.

Submission:

Ambry Genetics
Classification: Uncertain significance for Hereditary cancer-predisposing syndrome. Last evaluated: 2024-08-01. Review status: criteria provided, single submitter. Criteria: Ambry Variant Classification Scheme 2023. Collection method: clinical testing. Allele origin: germline.
Comment: The p.V1370M variant (also known as c.4108G>A), located in coding exon 21 of the DICER1 gene, results from a G to A substitution at nucleotide position 4108. The valine at codon 1370 is replaced by methionine, an amino acid with highly similar properties. This amino acid position is highly conserved in available vertebrate species. In addition, the in silico prediction for this alteration is inconclusive. Based on the available evidence, the clinical significance of this variant remains unclear.

NM_177438.3(DICER1):c.4108G>A (p.Val1370Met)

Gene: DICER1 (dicer 1, ribonuclease III; minus strand). Cytogenetic location: 14q32.13.
Variant type: single nucleotide variant.
Coding change: c.4108G>A on transcript NM_177438.3 (MANE Select); coding-DNA position 4108, G replaced by A.
Protein change: p.Val1370Met; replaces valine 1370 with methionine.
Molecular consequence: missense variant. On other transcripts: non-coding transcript variant (6).
Genome position (GRCh38, 1-based): chr14:95,099,878, C>T on the plus strand (G>A on the coding strand, the complement: DICER1 is on the minus strand). VCF-style: chr14-95099878-C-T. GRCh37 (hg19) VCF-style: chr14-95566215-C-T.
Other names: c.4108G>A, p.Val1370Met (NM_001195573.1, NM_001271282.3, NM_001291628.2 and 12 more transcripts); c.3826G>A, p.Val1276Met (NM_001395686.1); c.3703G>A, p.Val1235Met (NM_001395687.1, NM_001395688.1, NM_001395689.1 and 2 more transcripts); c.3541G>A, p.Val1181Met (NM_001395691.1); c.2425G>A, p.Val809Met (NM_001395697.1); short protein forms V1235M, V1276M, V1181M, V809M, V1370M.
Identifiers: ClinVar variation 3501861 (VCV003501861.1).